The following is an entry in ClinVar:

ClinVar aggregate classification (germline): Uncertain significance (1 of 4 stars; one submission).

Conditions:
Duchenne muscular dystrophy (DMD). Also called: MUSCULAR DYSTROPHY, PSEUDOHYPERTROPHIC PROGRESSIVE, DUCHENNE TYPE; Duchenne Muscular Dystrophy (DMD). Identifiers: Orphanet 98896, MedGen C0013264, MONDO:0010679, OMIM 310200.

Submission:

Labcorp Genetics (formerly Invitae), Labcorp
Classification: Uncertain significance for Duchenne muscular dystrophy. Last evaluated: 2021-10-19. Review status: criteria provided, single submitter. Criteria: Invitae Variant Classification Sherloc (09022015). Collection method: clinical testing. Allele origin: germline.
Comment: In summary, the available evidence is currently insufficient to determine the role of this variant in disease. Therefore, it has been classified as a Variant of Uncertain Significance. Algorithms developed to predict the effect of missense changes on protein structure and function are either unavailable or do not agree on the potential impact of this missense change (SIFT: "Deleterious"; PolyPhen-2: "Possibly Damaging"; Align-GVGD: "Class C15"). This variant has not been reported in the literature in individuals affected with DMD-related conditions. This variant is not present in population databases (gnomAD no frequency). This sequence change replaces lysine, which is basic and polar, with glutamic acid, which is acidic and polar, at codon 1290 of the DMD protein (p.Lys1290Glu).

NM_004006.3(DMD):c.3868A>G (p.Lys1290Glu)

Gene: DMD (dystrophin; minus strand). Cytogenetic location: Xp21.1.
Variant type: single nucleotide variant.
Coding change: c.3868A>G on transcript NM_004006.3 (MANE Select); coding-DNA position 3868, A replaced by G.
Protein change: p.Lys1290Glu; replaces lysine 1290 with glutamic acid.
Molecular consequence: missense variant.
Genome position (GRCh38, 1-based): chrX:32,441,233, T>C on the plus strand (A>G on the coding strand, the complement: DMD is on the minus strand). VCF-style: chrX-32441233-T-C. GRCh37 (hg19) VCF-style: chrX-32459350-T-C.
Other names: c.3844A>G, p.Lys1282Glu (NM_000109.4); c.3856A>G, p.Lys1286Glu (NM_004009.3); c.3499A>G, p.Lys1167Glu (NM_004010.3); short protein forms K1167E, K1290E, K1282E, K1286E.
Identifiers: ClinVar variation 1387931 (VCV001387931.6), dbSNP rs2148221941, ClinGen allele CA412670352.